The following is an entry in ClinVar:

NM_004006.3(DMD):c.7019T>C (p.Leu2340Pro)

Gene: DMD (dystrophin; minus strand). Cytogenetic location: Xp21.1.
Variant type: single nucleotide variant.
Coding change: c.7019T>C on transcript NM_004006.3 (MANE Select); coding-DNA position 7019, T replaced by C.
Protein change: p.Leu2340Pro; replaces leucine 2340 with proline.
Molecular consequence: missense variant. On other transcripts: 5 prime UTR variant (5).
Genome position (GRCh38, 1-based): chrX:31,875,267, A>G on the plus strand (T>C on the coding strand, the complement: DMD is on the minus strand). VCF-style: chrX-31875267-A-G. GRCh37 (hg19) VCF-style: chrX-31893384-A-G.
Other names: c.6995T>C, p.Leu2332Pro (NM_000109.4); c.7007T>C, p.Leu2336Pro (NM_004009.3); c.6650T>C, p.Leu2217Pro (NM_004010.3); c.2996T>C, p.Leu999Pro (NM_004011.4); c.2987T>C, p.Leu996Pro (NM_004012.4); c.-362T>C (NM_004013.3, NM_004020.4, NM_004021.3 and 2 more transcripts); short protein forms L2340P, L2332P, L999P, L2217P, L2336P, L996P.
Identifiers: ClinVar variation 573754 (VCV000573754.9), dbSNP rs1569492076, ClinGen allele CA412660032.

ClinVar aggregate classification (germline): Uncertain significance (1 of 4 stars; one submission).

Conditions:
Duchenne muscular dystrophy (DMD). Also called: MUSCULAR DYSTROPHY, PSEUDOHYPERTROPHIC PROGRESSIVE, DUCHENNE TYPE; Duchenne Muscular Dystrophy (DMD). Identifiers: Orphanet 98896, MedGen C0013264, MONDO:0010679, OMIM 310200.

Submission:

Labcorp Genetics (formerly Invitae), Labcorp
Classification: Uncertain significance for Duchenne muscular dystrophy. Last evaluated: 2018-04-20. Review status: criteria provided, single submitter. Criteria: Invitae Variant Classification Sherloc (09022015). Collection method: clinical testing. Allele origin: germline.
Comment: This variant has not been reported in the literature in individuals with DMD-related disease. In summary, the available evidence is currently insufficient to determine the role of this variant in disease. Therefore, it has been classified as a Variant of Uncertain Significance. Algorithms developed to predict the effect of missense changes on protein structure and function do not agree on the potential impact of this missense change (SIFT: "Deleterious"; PolyPhen-2: "Benign"; Align-GVGD: "Class C65"). This variant is not present in population databases (ExAC no frequency). This sequence change replaces leucine with proline at codon 2340 of the DMD protein (p.Leu2340Pro). The leucine residue is highly conserved and there is a moderate physicochemical difference between leucine and proline.